The following is an entry in ClinVar:

NM_001148.6(ANK2):c.1136G>A (p.Arg379His)

Gene: ANK2 (ankyrin 2; plus strand). Cytogenetic location: 4q26.
Variant type: single nucleotide variant.
Coding change: c.1136G>A on transcript NM_001148.6 (MANE Select); coding-DNA position 1136, G replaced by A.
Protein change: p.Arg379His; replaces arginine 379 with histidine.
Molecular consequence: missense variant.
Genome position (GRCh38, 1-based): chr4:113,255,880, G>A. VCF-style: chr4-113255880-G-A. GRCh37 (hg19) VCF-style: chr4-114177036-G-A.
Other names: c.1073G>A, p.Arg358His (NM_001127493.3, NM_001354239.2, NM_001354243.2 and 14 more transcripts); c.1136G>A, p.Arg379His (NM_001354225.2, NM_001354228.2, NM_001354232.2 and 9 more transcripts); c.1181G>A, p.Arg394His (NM_001354230.2, NM_001354231.2, NM_001354237.2 and 5 more transcripts); c.1049G>A, p.Arg350His (NM_001354249.2, NM_001354260.2, NM_001354264.2 and 16 more transcripts); c.1094G>A, p.Arg365His (NM_001354261.2, NM_001386147.1, NM_001386160.1); c.1124G>A, p.Arg375His (NM_001354269.3, NM_001386148.2, NM_001386186.2); c.1187G>A, p.Arg396His (NM_001386174.1); c.1163G>A, p.Arg388His (NM_001386175.1); and 1 more; short protein forms R350H, R365H, R394H, R379H, R358H, R375H, R367H, R388H.
Identifiers: ClinVar variation 661101 (VCV000661101.10), dbSNP rs186264035, ClinGen allele CA3050189.

ClinVar aggregate classification (germline): Uncertain significance. Review status: criteria provided, multiple submitters, no conflicts (2 of 4 stars). 3 submissions from 3 submitters: Uncertain significance (3). Last evaluated 2025-07-12.

Conditions:
Cardiovascular phenotype. Identifiers: MedGen CN230736.
Long QT syndrome (LQTS). Identifiers: MedGen C0023976, MeSH D008133, MONDO:0002442. Disease mechanism: loss of function. Inheritance: Various modes of inheritance.
Cardiac arrhythmia, ankyrin-B-related. Also called: ANKYRIN-B SYNDROME. Identifiers: Orphanet 101016, Orphanet 768, MedGen C1970119, MONDO:0010958, OMIM 600919.

Allele frequency attached by ClinVar (database versions not stated): TOPMed 0.00001; 1000 Genomes Project 30x 0.00031; 1000 Genomes Project 0.00040.
gnomAD v4.1: 39 of 1,614,122 alleles (0.0024%); highest among the groups gnomAD compares: East Asian, 0.016%; no homozygotes.

Submissions (3):

Ambry Genetics
Classification: Uncertain significance for Cardiovascular phenotype. Last evaluated: 2025-07-12. Review status: criteria provided, single submitter. Criteria: Ambry Variant Classification Scheme 2023. Collection method: clinical testing. Allele origin: germline.
Comment: The p.R379H variant (also known as c.1136G>A), located in coding exon 11 of the ANK2 gene, results from a G to A substitution at nucleotide position 1136. The arginine at codon 379 is replaced by histidine, an amino acid with highly similar properties. According to data from gnomAD, the frequency for this variant is above the maximum credible frequency for a cardiac disease-causing variant in this gene based on internally established thresholds (Karczewski et al. Nature. 2020 May;581(7809):434-443; Whiffin et al. Genet Med. 2017 10;19:1151-1158). This amino acid position is highly conserved in available vertebrate species. In addition, this alteration is predicted to be deleterious by in silico analysis. Based on the supporting evidence, the association of this alteration with ANK2-related neurodevelopmental disorder is unknown; however, the association with ANK2-related arrhythmia is unlikely.

Labcorp Genetics (formerly Invitae), Labcorp
Classification: Uncertain significance for Long QT syndrome. Last evaluated: 2024-11-04. Review status: criteria provided, single submitter. Criteria: Invitae Variant Classification Sherloc (09022015). Collection method: clinical testing. Allele origin: germline.
Comment: This sequence change replaces arginine, which is basic and polar, with histidine, which is basic and polar, at codon 379 of the ANK2 protein (p.Arg379His). This variant is present in population databases (rs186264035, gnomAD 0.003%). This variant has not been reported in the literature in individuals affected with ANK2-related conditions. ClinVar contains an entry for this variant (Variation ID: 661101). Invitae Evidence Modeling of protein sequence and biophysical properties (such as structural, functional, and spatial information, amino acid conservation, physicochemical variation, residue mobility, and thermodynamic stability) has been performed for this missense variant. However, the output from this modeling did not meet the statistical confidence thresholds required to predict the impact of this variant on ANK2 protein function. In summary, the available evidence is currently insufficient to determine the role of this variant in disease. Therefore, it has been classified as a Variant of Uncertain Significance.

Fulgent Genetics
Classification: Uncertain significance for Cardiac arrhythmia, ankyrin-B-related. Last evaluated: 2021-10-09. Review status: criteria provided, single submitter. Criteria: ACMG Guidelines, 2015. Collection method: clinical testing. Allele origin: unknown.